The following is an entry in ClinVar:

NM_024577.4(SH3TC2):c.*1982C>A

Gene: SH3TC2 (SH3 domain and tetratricopeptide repeats 2; minus strand). Cytogenetic location: 5q32.
Variant type: single nucleotide variant.
Coding change: c.*1982C>A on transcript NM_024577.4 (MANE Select); 1982 bases downstream of the stop codon, C replaced by A.
Molecular consequence: 3 prime UTR variant.
Genome position (GRCh38, 1-based): chr5:149,002,729, G>T on the plus strand (C>A on the coding strand, the complement: SH3TC2 is on the minus strand). VCF-style: chr5-149002729-G-T. GRCh37 (hg19) VCF-style: chr5-148382292-G-T.
Identifiers: ClinVar variation 351861 (VCV000351861.5), dbSNP rs535127091, ClinGen allele CA10623511.

ClinVar aggregate classification (germline): Conflicting classifications of pathogenicity. Review status: criteria provided, conflicting classifications (1 of 4 stars). 2 submissions from 1 submitter: Uncertain significance (1); Likely benign (1). Last evaluated 2018-01-12.

Conditions:
Susceptibility to mononeuropathy of the median nerve, mild. Also called: CARPAL TUNNEL SYNDROME, SUSCEPTIBILITY TO. Identifiers: MedGen C3150596, MONDO:0013237, OMIM 613353.
Charcot-Marie-Tooth disease type 4C (CMT4C). Also called: CHARCOT-MARIE-TOOTH DISEASE, DEMYELINATING, AUTOSOMAL RECESSIVE, TYPE 4C; CMT 4C; Charcot-Marie-Tooth Neuropathy Type 4C (CMT4C); CHARCOT-MARIE-TOOTH DISEASE, DEMYELINATING, TYPE 4C; SH3TC2-Related Hereditary Motor and Sensory Neuropathy. Identifiers: Orphanet 99949, MedGen C1866636, MONDO:0011113, OMIM 601596.

Allele frequency attached by ClinVar (database versions not stated): 1000 Genomes Project 30x 0.00125; 1000 Genomes Project 0.00140; gnomAD 0.00143 and 0.00153; TOPMed 0.00163.

Submissions (2):

Illumina Laboratory Services, Illumina
Classification: Likely benign for Susceptibility to mononeuropathy of the median nerve, mild. Last evaluated: 2018-01-12. Review status: criteria provided, single submitter. Criteria: ICSL Variant Classification Criteria 13 December 2019. Collection method: clinical testing. Allele origin: germline.
Comment: This variant was observed in the ICSL laboratory as part of a predisposition screen in an ostensibly healthy population. It had not been previously curated by ICSL or reported in the Human Gene Mutation Database (HGMD: prior to June 1st, 2018), and was therefore a candidate for classification through an automated scoring system. Utilizing variant allele frequency, disease prevalence and penetrance estimates, and inheritance mode, an automated score was calculated to assess if this variant is too frequent to cause the disease. Based on the score and internal cut-off values, a variant classified as likely benign is not then subjected to further curation. The score for this variant resulted in a classification of likely benign for this disease.

Illumina Laboratory Services, Illumina
Classification: Uncertain significance for Charcot-Marie-Tooth disease type 4C. Last evaluated: 2018-01-12. Review status: criteria provided, single submitter. Criteria: ICSL Variant Classification Criteria 13 December 2019. Collection method: clinical testing. Allele origin: germline.